The following is an entry in ClinVar:

NM_000038.6(APC):c.7630_7634del (p.Ser2544fs)

Gene: APC (APC regulator of Wnt signaling pathway; plus strand). Cytogenetic location: 5q22.2.
Variant type: Deletion.
Coding change: c.7630_7634del on transcript NM_000038.6 (MANE Select); coding-DNA positions 7630 to 7634, 5 bases deleted (TCAGG; older notation c.7630_7634delTCAGG).
Protein change: p.Ser2544fs; shifts the reading frame from serine 2544.
Molecular consequence: frameshift variant. On other transcripts: non-coding transcript variant (2).
Genome position (GRCh38, 1-based): chr5:112,843,224-112,843,228, TCAGG deleted; deleting any 5 consecutive bases within chr5:112,843,221-112,843,228 gives the same sequence; the c. name uses the placement nearest the transcript's 3' end. VCF-style (leftmost placement, unchanged base first): chr5-112843220-TAGGTC-T. GRCh37 (hg19) VCF-style: chr5-112178917-TAGGTC-T.
Other names: c.7630_7634del, p.Ser2544fs (NM_001127510.3, NM_001354895.2, NM_001407450.1); c.7576_7580del, p.Ser2526fs (NM_001127511.3); c.7684_7688del, p.Ser2562fs (NM_001354896.2, NM_001407447.1, NM_001407448.1 and 1 more transcripts); c.7660_7664del, p.Ser2554fs (NM_001354897.2); c.7555_7559del, p.Ser2519fs (NM_001354898.2); c.7546_7550del, p.Ser2516fs (NM_001354899.2); c.7507_7511del, p.Ser2503fs (NM_001354900.2); c.7453_7457del, p.Ser2485fs (NM_001354901.2, NM_001407453.1); and 11 more; short protein forms S2261fs, S2415fs, S2519fs, S2537fs, S2544fs, S2554fs, S2160fs, S2443fs.
Identifiers: ClinVar variation 3729759 (VCV003729759.2).
Genomic context (GRCh38, chr5:112,843,220, plus strand): 5'-AGCAAAGCGCCATGATATTGCACGGTCTCATTCTGAAAGTCCTTCTAGACTTCCAATCAA[TAGGTC>T]AGGAACCTGGAAACGTGAGCACAGCAAACATTCATCATCCCTTCCTCGAGTAAGCACTTG-3'

ClinVar aggregate classification (germline): Pathogenic (1 of 4 stars; one submission).

Conditions:
Familial adenomatous polyposis 1 (FAP1). Also called: FAMILIAL ADENOMATOUS POLYPOSIS 1, ATTENUATED; POLYPOSIS, ADENOMATOUS INTESTINAL. Identifiers: MedGen C2713442, MONDO:0021056, OMIM 175100. Disease mechanism: loss of function.

Submission:

Labcorp Genetics (formerly Invitae), Labcorp
Classification: Pathogenic for Familial adenomatous polyposis 1. Last evaluated: 2025-02-16. Review status: criteria provided, single submitter. Criteria: Invitae Variant Classification Sherloc (09022015). Collection method: clinical testing. Allele origin: germline.
Comment: This sequence change creates a premature translational stop signal (p.Ser2544Asnfs*5) in the APC gene. While this is not anticipated to result in nonsense mediated decay, it is expected to disrupt the last 300 amino acid(s) of the APC protein. This variant is not present in population databases (gnomAD no frequency). This variant has not been reported in the literature in individuals affected with APC-related conditions. A different truncation (p.Tyr2645Lysfs*14) that lies downstream of this variant has been determined to be pathogenic (PMID: 9824584, 1316610, 27081525, 8381579, 22135120, internal data). This suggests that deletion of this region of the APC protein is causative of disease. This variant is expected to disrupt the EB1 and HDLG binding sites, which mediate interactions with the cytoskeleton (PMID: 15311282, 17293347). While functional studies have not been performed to directly test the effect on APC protein function, this suggests that disruption of the C-terminal portion of the protein is functionally important. For these reasons, this variant has been classified as Pathogenic.

Literature cited by the submitters: PubMed 9824584; PubMed 1316610; PubMed 27081525; PubMed 8381579; PubMed 22135120; PubMed 15311282; PubMed 17293347.